The following is an entry in ClinVar:

ClinVar aggregate classification (germline): Uncertain significance (1 of 4 stars; one submission).

Conditions:
Candidiasis, familial, 9 (CANDF9). Identifiers: Orphanet 1334, MedGen C4225324, MONDO:0014642, OMIM 616445.

Allele frequency attached by ClinVar (database versions not stated): gnomAD exomes below 0.00001; ExAC 0.00001.
gnomAD v4.1: 5 of 1,614,168 alleles (0.00031%); highest among the groups gnomAD compares: South Asian, 0.0022%; no homozygotes.

Submission:

Labcorp Genetics (formerly Invitae), Labcorp
Classification: Uncertain significance for Candidiasis, familial, 9. Last evaluated: 2025-08-09. Review status: criteria provided, single submitter. Criteria: Invitae Variant Classification Sherloc (09022015). Collection method: clinical testing. Allele origin: germline.
Comment: This sequence change replaces asparagine, which is neutral and polar, with histidine, which is basic and polar, at codon 291 of the IL17RC protein (p.Asn291His). This variant is present in population databases (rs547267906, gnomAD 0.006%). This variant has not been reported in the literature in individuals affected with IL17RC-related conditions. ClinVar contains an entry for this variant (Variation ID: 641718). An algorithm developed to predict the effect of missense changes on protein structure and function outputs the following: PolyPhen-2: "Benign". The histidine amino acid residue is found in multiple mammalian species, which suggests that this missense change does not adversely affect protein function. In summary, the available evidence is currently insufficient to determine the role of this variant in disease. Therefore, it has been classified as a Variant of Uncertain Significance.

NM_153460.4(IL17RC):c.658A>C (p.Asn220His)

Gene: IL17RC (interleukin 17 receptor C; plus strand). Cytogenetic location: 3p25.3.
Variant type: single nucleotide variant.
Coding change: c.658A>C on transcript NM_153460.4 (MANE Select); coding-DNA position 658, A replaced by C.
Protein change: p.Asn220His; replaces asparagine 220 with histidine.
Molecular consequence: missense variant. On other transcripts: non-coding transcript variant (1).
Genome position (GRCh38, 1-based): chr3:9,923,916, A>C. VCF-style: chr3-9923916-A-C. GRCh37 (hg19) VCF-style: chr3-9965600-A-C.
Other names: c.658A>C, p.Asn220His (NM_001203263.2, NM_001203264.2, NM_001367278.1); c.613A>C, p.Asn205His (NM_001203265.2, NM_001367280.1, NM_032732.6); c.538A>C, p.Asn180His (NM_001367279.1); c.871A>C, p.Asn291His (NM_153461.4); short protein forms N291H, N180H, N205H, N220H.
Identifiers: ClinVar variation 641718 (VCV000641718.5), dbSNP rs547267906, ClinGen allele CA2246920.
Genomic context (GRCh38, chr3:9,923,916, plus strand): 5'-GCGCTCTCTTTGCCTCTCCCACCAGCCCTGCCCTGGCTCAACGTGTCAGCAGATGGTGAC[A>C]ACGTGCATCTGGTTCTGAATGTCTCTGAGGAGCAGCACTTCGGCCTCTCCCTGTACTGGA-3'
Protein context (NP_703190.2, residues 210-230): PWLNVSADGD[Asn220His]VHLVLNVSEE